The following is an entry in ClinVar:

NM_003978.5(PSTPIP1):c.248-66G>A

Gene: PSTPIP1 (proline-serine-threonine phosphatase interacting protein 1; plus strand). Cytogenetic location: 15q24.3.
Variant type: single nucleotide variant.
Coding change: c.248-66G>A on transcript NM_003978.5 (MANE Select); 66 bases into the intron before coding-DNA position 248, G replaced by A.
Molecular consequence: intron variant.
Genome position (GRCh38, 1-based): chr15:77,025,432, G>A. VCF-style: chr15-77025432-G-A. GRCh37 (hg19) VCF-style: chr15-77317773-G-A.
Other names: c.443-66G>A (NM_001321137.1); c.221-66G>A (NM_001321136.2); c.248-66G>A (NM_001321135.2).
Identifiers: ClinVar variation 673533 (VCV000673533.2), dbSNP rs55775608, ClinGen allele CA273751968.

ClinVar aggregate classification (germline): Benign. Review status: criteria provided, multiple submitters, no conflicts (2 of 4 stars). 2 submissions from 2 submitters: Benign (2). Last evaluated 2018-06-16.

Allele frequency attached by ClinVar (database versions not stated): gnomAD exomes 0.01983; gnomAD 0.03933 and 0.04049; TOPMed 0.04095; 1000 Genomes Project 0.05232; 1000 Genomes Project 30x 0.05356.
gnomAD v4.1: 34,619 of 1,583,746 alleles (2.2%); highest among the groups gnomAD compares: African/African-American, 9.3%; 726 homozygotes.

Submissions (2):

GeneDx
Classification: Benign. Last evaluated: 2018-06-16. Review status: criteria provided, single submitter. Criteria: GeneDx Variant Classification (06012015). Collection method: clinical testing. Allele origin: germline. Affected: yes.
Comment: This variant is considered likely benign or benign based on one or more of the following criteria: it is a conservative change, it occurs at a poorly conserved position in the protein, it is predicted to be benign by multiple in silico algorithms, and/or has population frequency not consistent with disease.

Breakthrough Genomics
Classification: Benign. Review status: criteria provided, single submitter. Criteria: ACMG Guidelines, 2015. Collection method: not provided. Allele origin: germline. Inheritance: Autosomal dominant inheritance. Affected: yes.